The following is an entry in ClinVar:

NM_032271.3(TRAF7):c.1730A>G (p.Tyr577Cys)

Gene: TRAF7 (TNF receptor associated factor 7; plus strand). Cytogenetic location: 16p13.3.
Variant type: single nucleotide variant.
Coding change: c.1730A>G on transcript NM_032271.3 (MANE Select); coding-DNA position 1730, A replaced by G.
Protein change: p.Tyr577Cys; replaces tyrosine 577 with cysteine.
Molecular consequence: missense variant.
Genome position (GRCh38, 1-based): chr16:2,175,937, A>G. VCF-style: chr16-2175937-A-G. GRCh37 (hg19) VCF-style: chr16-2225938-A-G.
Other names: short protein forms Y577C.
Identifiers: ClinVar variation 3897754 (VCV003897754.1).

ClinVar aggregate classification (oncogenicity): Uncertain significance (1 of 4 stars; one submission).

Conditions:
Meningioma. Also called: Meningioma, somatic. Identifiers: Orphanet 2495, MedGen C0025286, MONDO:0016642, HP:0002858.

Submission:

Dr. Guy Rouleau's laboratory, McGill University
Classification: Uncertain significance for Meningioma. Last evaluated: 2025-03-30. Review status: criteria provided, single submitter. Criteria: ClinGen/CGC/VICC Guidelines for Oncogenicity, 2022. Collection method: research. Allele origin: somatic. Affected: yes.
Comment: This missense variant, located at position 577 in the TRAF7 gene, results in the substitution of Tyrosine (Y), an aromatic amino acid, with Cysteine (C), a sulfur-containing amino acid. This somatic variant was identified in a paired tumor-blood sequencing study of meningiomas. It has been reported in Well-differentiated papillary mesothelioma (PMID: 30171198). However, it has not been reported in population databases (gnomAD v2.1.1: no frequency). Due to insufficient evidence, the clinical significance of this variant remains unknown